The following is an entry in ClinVar:

ClinVar aggregate classification (germline): Likely pathogenic (1 of 4 stars; one submission).

Conditions:
Cardiovascular phenotype. Identifiers: MedGen CN230736.

Submission:

Ambry Genetics
Classification: Likely pathogenic for Cardiovascular phenotype. Last evaluated: 2022-03-14. Review status: criteria provided, single submitter. Criteria: Ambry Variant Classification Scheme 2023. Collection method: clinical testing. Allele origin: germline.
Comment: The c.49439delG variant, located in coding exon 153 of the TTN gene, results from a deletion of one nucleotide at nucleotide position 49439, causing a translational frameshift with a predicted alternate stop codon (p.G16480Efs*12). This exon is located in the A-band region of the N2-B isoform of the titin protein and is constitutively expressed in TTN transcripts (percent spliced in or PSI 100%). This alteration is expected to result in loss of function by premature protein truncation or nonsense-mediated mRNA decay. While truncating variants in TTN are present in 1-3% of the general population, truncating variants in the A-band are the most common cause of dilated cardiomyopathy (DCM) (Herman DS et al. N. Engl. J. Med., 2012 Feb;366:619-28; Roberts AM et al. Sci Transl Med, 2015 Jan;7:270ra6). TTN truncating variants encoded in constitutive exons (PSI >90%) have been found to be significantly associated with DCM regardless of their position in titin (Schafer S et al. Nat. Genet., 2017 01;49:46-53). As such, this alteration is classified as likely pathogenic.

NM_001267550.2(TTN):c.76634del (p.Gly25545fs)

Genes: TTN (titin; minus strand), TTN-AS1 (TTN antisense RNA 1; plus strand). Cytogenetic location: 2q31.2.
Variant type: Deletion.
Coding change: c.76634del on transcript NM_001267550.2 (MANE Select); coding-DNA position 76634, one base deleted (G; older notation c.76634delG).
Protein change: p.Gly25545fs; shifts the reading frame from glycine 25545.
Molecular consequence: frameshift variant.
Genome position (GRCh38, 1-based): chr2:178,569,498, C deleted on the plus strand (G on the coding strand, the reverse complement: TTN is on the minus strand); the first of 4 consecutive C bases (chr2:178,569,498-178,569,501); deleting any one gives the same sequence. VCF-style (leftmost placement, unchanged base first): chr2-178569497-TC-T. GRCh37 (hg19) VCF-style: chr2-179434224-TC-T.
Other names: c.71711del, p.Gly23904fs (NM_001256850.1); c.49439del, p.Gly16480fs (NM_003319.4); c.68930del, p.Gly22977fs (NM_133378.4); c.49814del, p.Gly16605fs (NM_133432.3); c.50015del, p.Gly16672fs (NM_133437.4); c.49439delG (NM_003319.4); short protein forms G16480fs, G16672fs, G25545fs, G16605fs, G23904fs, G22977fs.
Identifiers: ClinVar variation 1744290 (VCV001744290.2), dbSNP rs2468408553, ClinGen allele CA2580064835.